The following is an entry in ClinVar:

ClinVar aggregate classification (germline): Uncertain significance (1 of 4 stars; one submission).

Conditions:
DNAH5-related disorder. Also called: DNAH5-related condition.

gnomAD v4.1: 9 of 1,614,036 alleles (0.00056%); highest among the groups gnomAD compares: Non-Finnish European, 0.00076%; no homozygotes.

Submission:

PreventionGenetics, part of Exact Sciences
Classification: Uncertain significance for DNAH5-related condition. Last evaluated: 2026-05-02. Review status: criteria provided, single submitter. Criteria: ACMG Guidelines, 2015. Collection method: clinical testing. Allele origin: germline.
Comment: The DNAH5 c.10516C>A variant is predicted to result in the amino acid substitution p.Gln3506Lys. To our knowledge, this variant has not been reported in the literature. This variant is reported in 0.0035% of alleles in individuals of European (Non-Finnish) descent in gnomAD. At this time, the clinical significance of this variant is uncertain due to the absence of conclusive functional and genetic evidence.

NM_001369.3(DNAH5):c.10516C>A (p.Gln3506Lys)

Gene: DNAH5 (dynein axonemal heavy chain 5; minus strand). Cytogenetic location: 5p15.2.
Variant type: single nucleotide variant.
Coding change: c.10516C>A on transcript NM_001369.3 (MANE Select); coding-DNA position 10516, C replaced by A.
Protein change: p.Gln3506Lys; replaces glutamine 3506 with lysine.
Molecular consequence: missense variant.
Genome position (GRCh38, 1-based): chr5:13,754,242, G>T on the plus strand (C>A on the coding strand, the complement: DNAH5 is on the minus strand). VCF-style: chr5-13754242-G-T. GRCh37 (hg19) VCF-style: chr5-13754351-G-T.
Other names: short protein forms Q3506K.
Identifiers: ClinVar variation 5002135 (VCV005002135.1).